The following is an entry in ClinVar:

ClinVar aggregate classification (germline): Uncertain significance (1 of 4 stars; one submission).

Conditions:
Dyskeratosis congenita. Identifiers: Orphanet 1775, MedGen C0265965, MONDO:0015780.

Allele frequency attached by ClinVar (database versions not stated): gnomAD exomes 0.00001 and 0.00002; TOPMed 0.00001; gnomAD 0.00002.
gnomAD v4.1: 24 of 1,610,206 alleles (0.0015%); highest among the groups gnomAD compares: African/African-American, 0.0067%; no homozygotes.

Submission:

Labcorp Genetics (formerly Invitae), Labcorp
Classification: Uncertain significance for Dyskeratosis congenita. Last evaluated: 2022-08-15. Review status: criteria provided, single submitter. Criteria: Invitae Variant Classification Sherloc (09022015). Collection method: clinical testing. Allele origin: germline.
Comment: This sequence change replaces arginine, which is basic and polar, with tryptophan, which is neutral and slightly polar, at codon 542 of the CTC1 protein (p.Arg542Trp). This variant is present in population databases (no rsID available, gnomAD 0.007%). This variant has not been reported in the literature in individuals affected with CTC1-related conditions. ClinVar contains an entry for this variant (Variation ID: 964867). Algorithms developed to predict the effect of missense changes on protein structure and function are either unavailable or do not agree on the potential impact of this missense change (SIFT: "Deleterious"; PolyPhen-2: "Possibly Damaging"; Align-GVGD: "Class C0"). In summary, the available evidence is currently insufficient to determine the role of this variant in disease. Therefore, it has been classified as a Variant of Uncertain Significance.

NM_025099.6(CTC1):c.1624C>T (p.Arg542Trp)

Gene: CTC1 (CST telomere replication complex component 1; minus strand). Cytogenetic location: 17p13.1.
Variant type: single nucleotide variant.
Coding change: c.1624C>T on transcript NM_025099.6 (MANE Select); coding-DNA position 1624, C replaced by T.
Protein change: p.Arg542Trp; replaces arginine 542 with tryptophan.
Molecular consequence: missense variant. On other transcripts: non-coding transcript variant (1).
Genome position (GRCh38, 1-based): chr17:8,234,649, G>A on the plus strand (C>T on the coding strand, the complement: CTC1 is on the minus strand). VCF-style: chr17-8234649-G-A. GRCh37 (hg19) VCF-style: chr17-8137967-G-A.
Other names: short protein forms R542W.
Identifiers: ClinVar variation 964867 (VCV000964867.6), dbSNP rs901245332, ClinGen allele CA287535764.